The following is an entry in ClinVar:

NM_018026.4(PACS1):c.1066C>T (p.Arg356Cys)

Gene: PACS1 (phosphofurin acidic cluster sorting protein 1; plus strand). Cytogenetic location: 11q13.2.
Variant type: single nucleotide variant.
Coding change: c.1066C>T on transcript NM_018026.4 (MANE Select); coding-DNA position 1066, C replaced by T.
Protein change: p.Arg356Cys; replaces arginine 356 with cysteine.
Molecular consequence: missense variant.
Genome position (GRCh38, 1-based): chr11:66,220,658, C>T. VCF-style: chr11-66220658-C-T. GRCh37 (hg19) VCF-style: chr11-65988129-C-T.
Other names: short protein forms R356C.
Identifiers: ClinVar variation 1385304 (VCV001385304.6), dbSNP rs751741898, ClinGen allele CA6116474.

ClinVar aggregate classification (germline): Uncertain significance (1 of 4 stars; one submission).

Conditions:
Schuurs-Hoeijmakers syndrome. Also called: PACS1-Related Neurodevelopmental Disorder. Identifiers: Orphanet 329224, MedGen C3554343, MONDO:0014006, OMIM 615009.

Allele frequency attached by ClinVar (database versions not stated): gnomAD exomes 0.00001; TOPMed 0.00001; ExAC 0.00001.
gnomAD v4.1: 11 of 1,614,148 alleles (0.00068%); highest among the groups gnomAD compares: East Asian, 0.0022%; no homozygotes.

Submission:

Labcorp Genetics (formerly Invitae), Labcorp
Classification: Uncertain significance for Schuurs-Hoeijmakers syndrome. Last evaluated: 2025-12-19. Review status: criteria provided, single submitter. Criteria: Invitae Variant Classification Sherloc (09022015). Collection method: clinical testing. Allele origin: germline.
Comment: This sequence change replaces arginine, which is basic and polar, with cysteine, which is neutral and slightly polar, at codon 356 of the PACS1 protein (p.Arg356Cys). This variant is present in population databases (rs751741898, gnomAD 0.003%). This variant has not been reported in the literature in individuals affected with PACS1-related conditions. ClinVar contains an entry for this variant (Variation ID: 1385304). Invitae Evidence Modeling of protein sequence and biophysical properties (such as structural, functional, and spatial information, amino acid conservation, physicochemical variation, residue mobility, and thermodynamic stability) indicates that this missense variant is not expected to disrupt PACS1 protein function with a negative predictive value of 80%. In summary, the available evidence is currently insufficient to determine the role of this variant in disease. Therefore, it has been classified as a Variant of Uncertain Significance.